The following is an entry in ClinVar:

NM_001378615.1(CC2D2A):c.902_903insGCACTTTGGGAGGCCGAGGCGGGCGGATCACGAGGTCAGGAGATCGAGACCATCCCGGCTAAAACGGTGNNNNNNNNNNAAAAAAAAAAAAAAAAAAAAAAAAAGCTTCC (p.Glu302fs)

Genes: CC2D2A (coiled-coil and C2 domain containing 2A; plus strand), FBXL5 (F-box and leucine rich repeat protein 5; minus strand). Cytogenetic location: 4p15.32.
Variant type: Microsatellite.
Coding change: c.902_903insGCACTTTGGGAGGCCGAGGCGGGCGGATCACGAGGTCAGGAGATCGAGACCATCCCGGCTAAAACGGTGNNNNNNNNNNAAAAAAAAAAAAAAAAAAAAAAAAAGCTTCC on transcript NM_001378615.1 (MANE Select); coding-DNA positions 902 to 903, GCACTTTGGGAGGCCGAGGCGGGCGGATCACGAGGTCAGGAGATCGAGACCATCCCGGCTAAAACGGTGNNNNNNNNNNAAAAAAAAAAAAAAAAAAAAAAAAAGCTTCC inserted.
Protein change: p.Glu302fs; shifts the reading frame from glutamic acid 302.
Molecular consequence: frameshift variant.
Genome position: GRCh38: chr4:15,515,879-15,515,889. GRCh37 (hg19): chr4:15,517,502-15,517,512.
Other names: c.902_903insGCACTTTGGGAGGCCGAGGCGGGCGGATCACGAGGTCAGGAGATCGAGACCATCCCGGCTAAAACGGTGNNNNNNNNNNAAAAAAAAAAAAAAAAAAAAAAAAAGCTTCC, p.Glu302fs (NM_001080522.2); c.755_756insGCACTTTGGGAGGCCGAGGCGGGCGGATCACGAGGTCAGGAGATCGAGACCATCCCGGCTAAAACGGTGNNNNNNNNNNAAAAAAAAAAAAAAAAAAAAAAAAAGCTTCC, p.Glu253fs (NM_001378617.1); short protein forms E253fs, E302fs.
Identifiers: ClinVar variation 2947454 (VCV002947454.3).

ClinVar aggregate classification (germline): Pathogenic (1 of 4 stars; one submission).

Conditions:
Joubert syndrome. Also called: JOUBERT-BOLTSHAUSER SYNDROME; Familial aplasia of the vermis. Identifiers: Orphanet 475, MedGen C5979921, MONDO:0018772.
Meckel-Gruber syndrome. Also called: DYSENCEPHALIA SPLANCHNOCYSTICA; GRUBER SYNDROME; Dysencephalia splachnocystica. Identifiers: Orphanet 564, MedGen C0265215, MONDO:0018921.

Submission:

Labcorp Genetics (formerly Invitae), Labcorp
Classification: Pathogenic for Joubert syndrome; Meckel-Gruber syndrome. Last evaluated: 2023-05-03. Review status: criteria provided, single submitter. Criteria: Invitae Variant Classification Sherloc (09022015). Collection method: clinical testing. Allele origin: germline.
Comment: For these reasons, this variant has been classified as Pathogenic. Retrotransposon insertions including LINE1 (L1), Alu, and SVA (SINE-VNTR-Alu) have been reported to be disease-causing through disruption of either a coding region or splice site (PMID: 19763152, 20307669, 22406018) and loss-of-function variants in CC2D2A are known to be pathogenic (PMID: 19777577). This variant has not been reported in the literature in individuals affected with CC2D2A-related conditions. This sequence change inserts a large fragment of DNA, likely a transposable element, in exon 11 of the CC2D2A gene (c.902_903ins?), causing a frameshift at codon 302 (p.Glu302fs). The exact size and sequence of the insertion cannot be determined by the current assay. However, the insertion is expected to result in an absent or disrupted protein product.

Literature cited by the submitters: PubMed 19763152; PubMed 20307669; PubMed 22406018; PubMed 19777577.